The following is an entry in ClinVar:

ClinVar aggregate classification (germline): Uncertain significance (1 of 4 stars; one submission).

Conditions:
Hereditary cancer-predisposing syndrome. Also called: Neoplastic Syndromes, Hereditary; Tumor predisposition; Hereditary neoplastic syndrome; Hereditary Cancer Syndrome. Identifiers: Orphanet 140162, MedGen C0027672, MeSH D009386, MONDO:0015356.

gnomAD v4.1: 1 of 1,613,548 alleles (0.000062%); highest among the groups gnomAD compares: Non-Finnish European, 0.000085%; no homozygotes.

Submission:

Ambry Genetics
Classification: Uncertain significance for Hereditary cancer-predisposing syndrome. Last evaluated: 2019-04-01. Review status: criteria provided, single submitter. Criteria: Ambry Variant Classification Scheme 2023. Collection method: clinical testing. Allele origin: germline.
Comment: The p.S2205Y variant (also known as c.6614C>A), located in coding exon 15 of the APC gene, results from a C to A substitution at nucleotide position 6614. The serine at codon 2205 is replaced by tyrosine, an amino acid with dissimilar properties. This amino acid position is well conserved in available vertebrate species. In addition, in silico predictors for this gene do not accurately predict pathogenicity. Since supporting evidence is limited at this time, the clinical significance of this alteration remains unclear.

NM_000038.6(APC):c.6614C>A (p.Ser2205Tyr)

Gene: APC (APC regulator of Wnt signaling pathway; plus strand). Cytogenetic location: 5q22.2.
Variant type: single nucleotide variant.
Coding change: c.6614C>A on transcript NM_000038.6 (MANE Select); coding-DNA position 6614, C replaced by A.
Protein change: p.Ser2205Tyr; replaces serine 2205 with tyrosine.
Molecular consequence: missense variant.
Genome position (GRCh38, 1-based): chr5:112,842,208, C>A. VCF-style: chr5-112842208-C-A. GRCh37 (hg19) VCF-style: chr5-112177905-C-A.
Other names: c.6614C>A, p.Ser2205Tyr (NM_001127510.3, NM_001354895.2); c.6560C>A, p.Ser2187Tyr (NM_001127511.3); c.6668C>A, p.Ser2223Tyr (NM_001354896.2); c.6644C>A, p.Ser2215Tyr (NM_001354897.2); c.6539C>A, p.Ser2180Tyr (NM_001354898.2); c.6530C>A, p.Ser2177Tyr (NM_001354899.2); c.6491C>A, p.Ser2164Tyr (NM_001354900.2); c.6437C>A, p.Ser2146Tyr (NM_001354901.2); and 5 more; short protein forms S2079Y, S2104Y, S2114Y, S2215Y, S2187Y, S2223Y, S1922Y, S2045Y.
Identifiers: ClinVar variation 826513 (VCV000826513.4), dbSNP rs876659684, ClinGen allele CA16035799.